The following is an entry in ClinVar:

ClinVar aggregate classification (germline): Benign/Likely benign. Review status: criteria provided, multiple submitters, no conflicts (2 of 4 stars). 6 submissions from 6 submitters: Benign (1); Likely benign (4). 1 of the submissions does not count toward it. Last evaluated 2025-08-07.

Conditions:
BRIP1-related disorder. Also called: BRIP1-related condition; BRIP1-related disorders. Identifiers: MedGen CN239206.
Familial cancer of breast. Also called: BREAST CANCER, FAMILIAL; hereditary breast carcinoma; Hereditary breast cancer. Identifiers: Orphanet 227535, MedGen C0346153, MONDO:0016419, OMIM 114480. Disease mechanism: loss of function.
Fanconi anemia complementation group J. Also called: BRIP1-Related Fanconi Anemia. Identifiers: Orphanet 84, MedGen C1836860, MONDO:0012187, OMIM 609054.
Hereditary cancer-predisposing syndrome. Also called: Neoplastic Syndromes, Hereditary; Hereditary neoplastic syndrome; Tumor predisposition; Hereditary Cancer Syndrome. Identifiers: Orphanet 140162, MedGen C0027672, MeSH D009386, MONDO:0015356.

Allele frequency attached by ClinVar (database versions not stated): gnomAD exomes below 0.00001; TOPMed below 0.00001; ExAC 0.00001.
gnomAD v4.1: 1 of 1,614,092 alleles (0.000062%); highest among the groups gnomAD compares: Admixed American, 0.0017%; no homozygotes.

Submissions (6):

Labcorp Genetics (formerly Invitae), Labcorp
Classification: Likely benign for Familial cancer of breast; Fanconi anemia complementation group J. Last evaluated: 2025-08-07. Review status: criteria provided, single submitter. Criteria: Invitae Variant Classification Sherloc (09022015). Collection method: clinical testing. Allele origin: germline.

Myriad Genetics, Inc.
Classification: Benign for Familial cancer of breast. Last evaluated: 2024-08-09. Review status: criteria provided, single submitter. Criteria: Myriad Autosomal Dominant, Autosomal Recessive and X-Linked Classification Criteria (2023). Collection method: clinical testing. Allele origin: unknown.
Comment: This variant is considered benign. This variant is a silent/synonymous amino acid change and it is not expected to impact splicing.

Color Diagnostics, LLC DBA Color Health
Classification: Likely benign for Hereditary cancer-predisposing syndrome. Last evaluated: 2017-12-14. Review status: criteria provided, single submitter. Criteria: ACMG Guidelines, 2015. Collection method: clinical testing. Allele origin: germline.

Ambry Genetics
Classification: Likely benign for Hereditary cancer-predisposing syndrome. Last evaluated: 2017-09-06. Review status: criteria provided, single submitter. Criteria: Ambry Variant Classification Scheme 2023. Collection method: clinical testing. Allele origin: germline.

GeneDx
Classification: Likely benign. Last evaluated: 2016-12-23. Review status: criteria provided, single submitter. Criteria: GeneDx Variant Classification (06012015). Collection method: clinical testing. Allele origin: germline. Affected: yes.
Comment: This variant is considered likely benign or benign based on one or more of the following criteria: it is a conservative change, it occurs at a poorly conserved position in the protein, it is predicted to be benign by multiple in silico algorithms, and/or has population frequency not consistent with disease.

PreventionGenetics, part of Exact Sciences
Classification: Likely benign for BRIP1-related condition. Last evaluated: 2024-05-05. Review status: no assertion criteria provided. Collection method: clinical testing. Allele origin: germline. Not counted in ClinVar's aggregate classification.
Comment: This variant is classified as likely benign based on ACMG/AMP sequence variant interpretation guidelines (Richards et al. 2015 PMID: 25741868, with internal and published modifications).

NM_032043.3(BRIP1):c.240T>G (p.Ala80=)

Gene: BRIP1 (BRCA1 interacting DNA helicase 1; minus strand). Cytogenetic location: 17q23.2.
Variant type: single nucleotide variant.
Coding change: c.240T>G on transcript NM_032043.3 (MANE Select); coding-DNA position 240, T replaced by G.
Protein change: p.Ala80=; no amino-acid change (alanine 80 retained).
Molecular consequence: synonymous variant.
Genome position (GRCh38, 1-based): chr17:61,857,197, A>C on the plus strand (T>G on the coding strand, the complement: BRIP1 is on the minus strand). VCF-style: chr17-61857197-A-C. GRCh37 (hg19) VCF-style: chr17-59934558-A-C.
Identifiers: ClinVar variation 392293 (VCV000392293.19), dbSNP rs745422385, ClinGen allele CA8690970.